The following is an entry in ClinVar:

NM_001851.6(COL9A1):c.2552A>G (p.Asn851Ser)

Gene: COL9A1 (collagen type IX alpha 1 chain; minus strand). Cytogenetic location: 6q13.
Variant type: single nucleotide variant.
Coding change: c.2552A>G on transcript NM_001851.6 (MANE Select); coding-DNA position 2552, A replaced by G.
Protein change: p.Asn851Ser; replaces asparagine 851 with serine.
Molecular consequence: missense variant. On other transcripts: non-coding transcript variant (1).
Genome position (GRCh38, 1-based): chr6:70,225,961, T>C on the plus strand (A>G on the coding strand, the complement: COL9A1 is on the minus strand). VCF-style: chr6-70225961-T-C. GRCh37 (hg19) VCF-style: chr6-70935664-T-C.
Other names: c.1853A>G, p.Asn618Ser (NM_001377289.1); c.1676A>G, p.Asn559Ser (NM_001377290.1); c.1823A>G, p.Asn608Ser (NM_078485.4); short protein forms N559S, N608S, N851S, N618S.
Identifiers: ClinVar variation 1493374 (VCV001493374.4), dbSNP rs578034223, ClinGen allele CA3881738.

ClinVar aggregate classification (germline): Uncertain significance. Review status: criteria provided, multiple submitters, no conflicts (2 of 4 stars). 2 submissions from 2 submitters: Uncertain significance (2). Last evaluated 2022-08-15.

Conditions:
Epiphyseal dysplasia, multiple, 6. Also called: COL9A1-Related Multiple Epiphyseal Dysplasia. Identifiers: MedGen C2675767, MONDO:0013591, OMIM 614135.
Stickler syndrome, type 4 (STL4). Identifiers: Orphanet 250984, Orphanet 828, MedGen C3279941, MONDO:0013590, OMIM 614134.

Allele frequency attached by ClinVar (database versions not stated): ExAC 0.00001; gnomAD 0.00001; gnomAD exomes 0.00001; TOPMed 0.00002.

Submissions (2):

Labcorp Genetics (formerly Invitae), Labcorp
Classification: Uncertain significance. Last evaluated: 2022-08-15. Review status: criteria provided, single submitter. Criteria: Invitae Variant Classification Sherloc (09022015). Collection method: clinical testing. Allele origin: germline.
Comment: This sequence change replaces asparagine, which is neutral and polar, with serine, which is neutral and polar, at codon 851 of the COL9A1 protein (p.Asn851Ser). This variant is present in population databases (rs578034223, gnomAD 0.003%). This variant has not been reported in the literature in individuals affected with COL9A1-related conditions. ClinVar contains an entry for this variant (Variation ID: 1493374). Advanced modeling of protein sequence and biophysical properties (such as structural, functional, and spatial information, amino acid conservation, physicochemical variation, residue mobility, and thermodynamic stability) performed at Invitae indicates that this missense variant is not expected to disrupt COL9A1 protein function. In summary, the available evidence is currently insufficient to determine the role of this variant in disease. Therefore, it has been classified as a Variant of Uncertain Significance.

Fulgent Genetics
Classification: Uncertain significance for Stickler syndrome, type 4; Epiphyseal dysplasia, multiple, 6. Last evaluated: 2021-09-27. Review status: criteria provided, single submitter. Criteria: ACMG Guidelines, 2015. Collection method: clinical testing. Allele origin: unknown.